The following is an entry in ClinVar:

ClinVar aggregate classification (germline): Conflicting classifications of pathogenicity. Review status: criteria provided, conflicting classifications (1 of 4 stars). 3 submissions from 3 submitters: Pathogenic (1); Likely pathogenic (1); Uncertain significance (1). Last evaluated 2025-02-17.

Conditions:
Primary ciliary dyskinesia. Also called: Ciliary dyskinesia. Identifiers: Orphanet 244, MedGen C0008780, MONDO:0016575, HP:0012265.
RPGR-related disorder. Also called: RPGR-related condition.

Submissions (3):

Labcorp Genetics (formerly Invitae), Labcorp
Classification: Pathogenic for Primary ciliary dyskinesia. Last evaluated: 2025-02-17. Review status: criteria provided, single submitter. Criteria: Invitae Variant Classification Sherloc (09022015). Collection method: clinical testing. Allele origin: germline.
Comment: This sequence change replaces glycine, which is neutral and non-polar, with arginine, which is basic and polar, at codon 165 of the RPGR protein (p.Gly165Arg). This variant is not present in population databases (gnomAD no frequency). This missense change has been observed in individual(s) with retinitis pigmentosa (internal data). In at least one individual the variant was observed to be de novo. ClinVar contains an entry for this variant (Variation ID: 866306). Invitae Evidence Modeling of protein sequence and biophysical properties (such as structural, functional, and spatial information, amino acid conservation, physicochemical variation, residue mobility, and thermodynamic stability) indicates that this missense variant is expected to disrupt RPGR protein function with a positive predictive value of 95%. This variant disrupts the p.Gly165 amino acid residue in RPGR. Other variant(s) that disrupt this residue have been determined to be pathogenic (PMID: 27596865, 30887160, 31456290). This suggests that this residue is clinically significant, and that variants that disrupt this residue are likely to be disease-causing. For these reasons, this variant has been classified as Pathogenic.

Blueprint Genetics
Classification: Likely pathogenic for RPGR-related disorders. Last evaluated: 2021-08-11. Review status: criteria provided, single submitter. Criteria: ACMG Guidelines, 2015. Collection method: clinical testing. Allele origin: germline. Affected: yes. Observed: 2 variant alleles.

PreventionGenetics, part of Exact Sciences
Classification: Uncertain significance. Last evaluated: 2018-10-26. Review status: criteria provided, single submitter. Criteria: ACMG Guidelines, 2015. Collection method: clinical testing. Allele origin: germline.

Literature cited by the submitters: PubMed 27596865 (cited by Labcorp Genetics (formerly Invitae), Labcorp); PubMed 30887160 (cited by Labcorp Genetics (formerly Invitae), Labcorp); PubMed 31456290 (cited by Labcorp Genetics (formerly Invitae), Labcorp).

NM_001034853.2(RPGR):c.493G>C (p.Gly165Arg)

Gene: RPGR (retinitis pigmentosa GTPase regulator; minus strand). Cytogenetic location: Xp11.4.
Variant type: single nucleotide variant.
Coding change: c.493G>C on transcript NM_001034853.2 (MANE Select); coding-DNA position 493, G replaced by C.
Protein change: p.Gly165Arg; replaces glycine 165 with arginine.
Molecular consequence: missense variant. On other transcripts: non-coding transcript variant (6).
Genome position (GRCh38, 1-based): chrX:38,317,442, C>G on the plus strand (G>C on the coding strand, the complement: RPGR is on the minus strand). VCF-style: chrX-38317442-C-G. GRCh37 (hg19) VCF-style: chrX-38176695-C-G.
Other names: c.493G>C, p.Gly165Arg (NM_000328.3, NM_001367245.1, NM_001367246.1 and 3 more transcripts); c.523G>C, p.Gly175Arg (NM_001367248.1); c.490G>C, p.Gly164Arg (NM_001367249.1); short protein forms G164R, G165R, G175R.
Identifiers: ClinVar variation 866306 (VCV000866306.7), dbSNP rs2067847091, ClinGen allele CA412744919.